The following is an entry in ClinVar:

ClinVar aggregate classification (germline): Benign/Likely benign. Review status: criteria provided, multiple submitters, no conflicts (2 of 4 stars). 3 submissions from 3 submitters: Benign (1); Likely benign (1). 1 of the submissions does not count toward it. Last evaluated 2025-12-27.

Conditions:
SCYL1-related disorder. Also called: SCYL1-related condition.

Allele frequency attached by ClinVar (database versions not stated): gnomAD exomes 0.00027; ExAC 0.00035; gnomAD 0.00099 and 0.00106; 1000 Genomes Project 30x 0.00109; ESP Exome Variant Server 0.00115; 1000 Genomes Project 0.00120; TOPMed 0.00120.
gnomAD v4.1: 297 of 1,613,502 alleles (0.018%); highest among the groups gnomAD compares: African/African-American, 0.34%; no homozygotes.

Submissions (3):

Labcorp Genetics (formerly Invitae), Labcorp
Classification: Benign. Last evaluated: 2025-12-27. Review status: criteria provided, single submitter. Criteria: Invitae Variant Classification Sherloc (09022015). Collection method: clinical testing. Allele origin: germline.

Blueprint Genetics
Classification: Likely benign. Last evaluated: 2024-11-17. Review status: criteria provided, single submitter. Criteria: ACMG Guidelines, 2015. Collection method: clinical testing. Allele origin: germline.

PreventionGenetics, part of Exact Sciences
Classification: Likely benign for SCYL1-related condition. Last evaluated: 2024-08-11. Review status: no assertion criteria provided. Collection method: clinical testing. Allele origin: germline. Not counted in ClinVar's aggregate classification.
Comment: This variant is classified as likely benign based on ACMG/AMP sequence variant interpretation guidelines (Richards et al. 2015 PMID: 25741868, with internal and published modifications).

NM_020680.4(SCYL1):c.315G>A (p.Ala105=)

Gene: SCYL1 (SCY1 like pseudokinase 1; plus strand). Cytogenetic location: 11q13.1.
Variant type: single nucleotide variant.
Coding change: c.315G>A on transcript NM_020680.4 (MANE Select); coding-DNA position 315, G replaced by A.
Protein change: p.Ala105=; no amino-acid change (alanine 105 retained).
Molecular consequence: synonymous variant.
Genome position (GRCh38, 1-based): chr11:65,525,983, G>A. VCF-style: chr11-65525983-G-A. GRCh37 (hg19) VCF-style: chr11-65293454-G-A.
Other names: c.315G>A, p.Ala105= (NM_001048218.2).
Identifiers: ClinVar variation 743105 (VCV000743105.7), dbSNP rs141488946, ClinGen allele CA6099461.